The following is an entry in ClinVar:

ClinVar aggregate classification (germline): Uncertain significance (1 of 4 stars; one submission).

Conditions:
Pyruvate dehydrogenase E2 deficiency (PDHDD). Also called: Dihydrolipoamide Acetyltransferase (E2) Deficiency; LACTIC ACIDEMIA DUE TO DEFECT OF E2 LIPOYL TRANSACETYLASE OF THE PYRUVATE DEHYDROGENASE COMPLEX. Identifiers: Orphanet 765, Orphanet 79244, MedGen C1855565, MONDO:0009502, OMIM 245348.

Allele frequency attached by ClinVar (database versions not stated): gnomAD exomes below 0.00001 and 0.00001; TOPMed below 0.00001.
gnomAD v4.1: 4 of 1,613,474 alleles (0.00025%); highest among the groups gnomAD compares: Admixed American, 0.0017%; no homozygotes.

Submission:

Labcorp Genetics (formerly Invitae), Labcorp
Classification: Uncertain significance for Pyruvate dehydrogenase E2 deficiency. Last evaluated: 2024-01-02. Review status: criteria provided, single submitter. Criteria: Invitae Variant Classification Sherloc (09022015). Collection method: clinical testing. Allele origin: germline.
Comment: This sequence change replaces alanine, which is neutral and non-polar, with proline, which is neutral and non-polar, at codon 483 of the DLAT protein (p.Ala483Pro). This variant is present in population databases (no rsID available, gnomAD 0.006%). This variant has not been reported in the literature in individuals affected with DLAT-related conditions. ClinVar contains an entry for this variant (Variation ID: 1355497). Advanced modeling of protein sequence and biophysical properties (such as structural, functional, and spatial information, amino acid conservation, physicochemical variation, residue mobility, and thermodynamic stability) performed at Invitae indicates that this missense variant is expected to disrupt DLAT protein function with a positive predictive value of 80%. In summary, the available evidence is currently insufficient to determine the role of this variant in disease. Therefore, it has been classified as a Variant of Uncertain Significance.

NM_001931.5(DLAT):c.1447G>C (p.Ala483Pro)

Gene: DLAT (dihydrolipoamide S-acetyltransferase; plus strand). Cytogenetic location: 11q23.1.
Variant type: single nucleotide variant.
Coding change: c.1447G>C on transcript NM_001931.5 (MANE Select); coding-DNA position 1447, G replaced by C.
Protein change: p.Ala483Pro; replaces alanine 483 with proline.
Molecular consequence: missense variant. On other transcripts: non-coding transcript variant (1).
Genome position (GRCh38, 1-based): chr11:112,051,282, G>C. VCF-style: chr11-112051282-G-C. GRCh37 (hg19) VCF-style: chr11-111922006-G-C.
Other names: c.1465G>C, p.Ala489Pro (NM_001372031.1); c.1441G>C, p.Ala481Pro (NM_001372032.1); c.1447G>C, p.Ala483Pro (NM_001372033.1); c.1414G>C, p.Ala472Pro (NM_001372034.1); c.1339G>C, p.Ala447Pro (NM_001372035.1); c.1321G>C, p.Ala441Pro (NM_001372036.1); c.1279G>C, p.Ala427Pro (NM_001372037.1); c.1168G>C, p.Ala390Pro (NM_001372038.1); and 4 more; short protein forms A329P, A481P, A342P, A390P, A489P, A378P, A447P, A472P.
Identifiers: ClinVar variation 1355497 (VCV001355497.6), dbSNP rs1555181965, ClinGen allele CA382616061.